The following is an entry in ClinVar:

ClinVar aggregate classification (germline): Uncertain significance (1 of 4 stars; one submission).

Conditions:
Hereditary cancer-predisposing syndrome. Also called: Tumor predisposition; Hereditary Cancer Syndrome; Hereditary neoplastic syndrome; Neoplastic Syndromes, Hereditary. Identifiers: Orphanet 140162, MedGen C0027672, MeSH D009386, MONDO:0015356.

Submission:

Ambry Genetics
Classification: Uncertain significance for Hereditary cancer-predisposing syndrome. Last evaluated: 2024-05-07. Review status: criteria provided, single submitter. Criteria: Ambry Variant Classification Scheme 2023. Collection method: clinical testing. Allele origin: germline.
Comment: The p.D784G variant (also known as c.2351A>G), located in coding exon 14 of the PMS2 gene, results from an A to G substitution at nucleotide position 2351. The aspartic acid at codon 784 is replaced by glycine, an amino acid with similar properties. This amino acid position is conserved. In addition, the in silico prediction for this alteration is inconclusive. Based on the available evidence, the clinical significance of this variant remains unclear.

NM_000535.7(PMS2):c.2351A>G (p.Asp784Gly)

Gene: PMS2 (PMS1 homolog 2, mismatch repair system component; minus strand). Cytogenetic location: 7p22.1.
Variant type: single nucleotide variant.
Coding change: c.2351A>G on transcript NM_000535.7 (MANE Select); coding-DNA position 2351, A replaced by G.
Protein change: p.Asp784Gly; replaces aspartic acid 784 with glycine.
Molecular consequence: missense variant. On other transcripts: non-coding transcript variant (1).
Genome position (GRCh38, 1-based): chr7:5,977,682, T>C on the plus strand (A>G on the coding strand, the complement: PMS2 is on the minus strand). VCF-style: chr7-5977682-T-C. GRCh37 (hg19) VCF-style: chr7-6017313-T-C.
Other names: c.1946A>G, p.Asp649Gly (NM_001322003.2, NM_001322004.2, NM_001322005.2 and 11 more transcripts); c.2195A>G, p.Asp732Gly (NM_001322006.2); c.2033A>G, p.Asp678Gly (NM_001322007.2, NM_001322008.2, NM_001406883.1); c.1979A>G, p.Asp660Gly (NM_001322009.2, NM_001406887.1, NM_001406888.1); c.1790A>G, p.Asp597Gly (NM_001322010.2, NM_001406906.1, NM_001406907.1); c.1418A>G, p.Asp473Gly (NM_001322011.2, NM_001322012.2); c.1778A>G, p.Asp593Gly (NM_001322013.2, NM_001406909.1, NM_001406908.1); c.2384A>G, p.Asp795Gly (NM_001322014.2); and 20 more; short protein forms D527G, D597G, D622G, D662G, D748G, D792G, D593G, D613G.
Identifiers: ClinVar variation 3308069 (VCV003308069.1).